The following is an entry in ClinVar:

ClinVar aggregate classification (germline): Uncertain significance (1 of 4 stars; one submission).

Submission:

Women's Health and Genetics/Laboratory Corporation of America, LabCorp
Classification: Uncertain significance. Last evaluated: 2025-11-26. Review status: criteria provided, single submitter. Criteria: LabCorp Variant Classification Summary - May 2015. Collection method: clinical testing. Allele origin: germline.
Comment: Variant summary: DLG3 c.344A>G (p.Asp115Gly) results in a non-conservative amino acid change in the encoded protein sequence. Algorithms developed to predict the effect of missense changes on protein structure and function are either unavailable or do not agree on the potential impact of this missense change. The variant was absent in 123691 control chromosomes. The available data on variant occurrences in the general population are insufficient to allow any conclusion about variant significance. To our knowledge, no occurrence of c.344A>G in individuals affected with DLG3-related conditions and no experimental evidence demonstrating its impact on protein function have been reported. No submitters have cited clinical-significance assessments for this variant to ClinVar. Based on the evidence outlined above, the variant was classified as uncertain significance.

NM_021120.4(DLG3):c.344A>G (p.Asp115Gly)

Gene: DLG3 (discs large MAGUK scaffold protein 3; plus strand). Cytogenetic location: Xq13.1.
Variant type: single nucleotide variant.
Coding change: c.344A>G on transcript NM_021120.4 (MANE Select); coding-DNA position 344, A replaced by G.
Protein change: p.Asp115Gly; replaces aspartic acid 115 with glycine.
Molecular consequence: missense variant.
Genome position (GRCh38, 1-based): chrX:70,445,545, A>G. VCF-style: chrX-70445545-A-G. GRCh37 (hg19) VCF-style: chrX-69665395-A-G.
Other names: short protein forms D115G.
Identifiers: ClinVar variation 4537171 (VCV004537171.1).